The following is an entry in ClinVar:

ClinVar aggregate classification (germline): Benign/Likely benign. Review status: criteria provided, multiple submitters, no conflicts (2 of 4 stars). 4 submissions from 4 submitters: Benign (1); Likely benign (3). Last evaluated 2026-01-26.

Conditions:
ALG9 congenital disorder of glycosylation (CDG1L). Also called: CDG Il; ALG9-CDG; CONGENITAL DISORDER OF GLYCOSYLATION, TYPE Il. Identifiers: Orphanet 79328, MedGen C2931006, MONDO:0012117, OMIM 608776.
Cutis laxa with osteodystrophy (ARCL2A). Also called: Debré-Type Cutis Laxa; CUTIS LAXA WITH CONGENITAL DISORDER OF GLYCOSYLATION; CUTIS LAXA, AUTOSOMAL RECESSIVE, TYPE IIA; CUTIS LAXA WITH BONE DYSTROPHY; CUTIS LAXA WITH GROWTH AND DEVELOPMENTAL DELAY; CUTIS LAXA WITH JOINT LAXITY AND RETARDED DEVELOPMENT. Identifiers: Orphanet 357058, MedGen C0268355, MONDO:0018163, OMIM 219200. Disease mechanism: loss of function.
Wrinkly skin syndrome (WSS). Also called: Type of Gerodermia osteodysplastica. Identifiers: Orphanet 2834, MedGen C0406587, MONDO:0010208, OMIM 278250.

Allele frequency attached by ClinVar (database versions not stated): gnomAD exomes 0.00021 and 0.00093; gnomAD 0.00033 and 0.00042; TOPMed 0.00045; ExAC 0.00093; 1000 Genomes Project 30x 0.00234; 1000 Genomes Project 0.00260.
gnomAD v4.1: 419 of 1,612,428 alleles (0.026%); highest among the groups gnomAD compares: East Asian, 0.63%; no homozygotes.

Submissions (4):

Labcorp Genetics (formerly Invitae), Labcorp
Classification: Benign for ALG9 congenital disorder of glycosylation. Last evaluated: 2026-01-26. Review status: criteria provided, single submitter. Criteria: Invitae Variant Classification Sherloc (09022015). Collection method: clinical testing. Allele origin: germline.

Blueprint Genetics
Classification: Likely benign. Last evaluated: 2024-10-28. Review status: criteria provided, single submitter. Criteria: ACMG Guidelines, 2015. Collection method: clinical testing. Allele origin: germline.

Fulgent Genetics
Classification: Likely benign for Cutis laxa with osteodystrophy; Wrinkly skin syndrome. Last evaluated: 2021-09-29. Review status: criteria provided, single submitter. Criteria: ACMG Guidelines, 2015. Collection method: clinical testing. Allele origin: unknown.

GeneDx
Classification: Likely benign. Last evaluated: 2017-09-15. Review status: criteria provided, single submitter. Criteria: GeneDx Variant Classification (06012015). Collection method: clinical testing. Allele origin: germline. Affected: yes.
Comment: This variant is considered likely benign or benign based on one or more of the following criteria: it is a conservative change, it occurs at a poorly conserved position in the protein, it is predicted to be benign by multiple in silico algorithms, and/or has population frequency not consistent with disease.

NM_012463.4(ATP6V0A2):c.1327-16G>A

Gene: ATP6V0A2 (ATPase H+ transporting V0 subunit a2; plus strand). Cytogenetic location: 12q24.31.
Variant type: single nucleotide variant.
Coding change: c.1327-16G>A on transcript NM_012463.4 (MANE Select); 16 bases into the intron before coding-DNA position 1327, G replaced by A.
Molecular consequence: intron variant.
Genome position (GRCh38, 1-based): chr12:123,744,581, G>A. VCF-style: chr12-123744581-G-A. GRCh37 (hg19) VCF-style: chr12-124229128-G-A.
Identifiers: ClinVar variation 512155 (VCV000512155.11), dbSNP rs149092701, ClinGen allele CA6861912.
Genomic context (GRCh38, chr12:123,744,581, plus strand): 5'-GGTCGTGCCCACACCGACAGCTGTCACATGGACACCCTCCAGTAACCATATTCTGCCCCC[G>A]CCTTGCCCTTCACAGATCATGAGGATGTTTTTTAATGGCCGGTACATCCTCCTGCTGATG-3'